The following is an entry in ClinVar:

ClinVar aggregate classification (germline): Pathogenic. Review status: criteria provided, multiple submitters, no conflicts (2 of 4 stars). 2 submissions from 2 submitters: Pathogenic (2). Last evaluated 2025-04-03.

Conditions:
Inborn genetic diseases. Identifiers: MedGen C0950123, MeSH D030342.

Submissions (2):

Ambry Genetics
Classification: Pathogenic for Inborn genetic diseases. Last evaluated: 2025-04-03. Review status: criteria provided, single submitter. Criteria: Ambry Variant Classification Scheme 2023. Collection method: clinical testing. Allele origin: germline.
Comment: The c.2481_2482delTA (p.D827Efs*5) alteration, located in coding exon 18 of the AUTS2 gene, consists of a deletion of 2 nucleotides from position 2481 to 2482, causing a translational frameshift with a predicted alternate stop codon after 5 amino acids. This variant is not expected to trigger nonsense-mediated mRNA decay, and impacts the last 34% of the protein. Premature stop codons are typically deleterious in nature, a significant portion of the protein is affected, and the impacted region is critical for protein function (Ambry internal data). This variant was not reported in population-based cohorts in the Genome Aggregation Database (gnomAD). Based on the available evidence, this alteration is classified as pathogenic.

Labcorp Genetics (formerly Invitae), Labcorp
Classification: Pathogenic. Last evaluated: 2025-01-15. Review status: criteria provided, single submitter. Criteria: Invitae Variant Classification Sherloc (09022015). Collection method: clinical testing. Allele origin: germline.
Comment: This sequence change creates a premature translational stop signal (p.Asp827Glufs*5) in the AUTS2 gene. While this is not anticipated to result in nonsense mediated decay, it is expected to disrupt the last 433 amino acid(s) of the AUTS2 protein. This variant is not present in population databases (gnomAD no frequency). This variant has not been reported in the literature in individuals affected with AUTS2-related conditions. ClinVar contains an entry for this variant (Variation ID: 985082). This variant disrupts a region of the AUTS2 protein in which other variant(s) (p.Leu1019Trpfs*6) have been determined to be pathogenic (internal data). This suggests that this is a clinically significant region of the protein, and that variants that disrupt it are likely to be disease-causing. For these reasons, this variant has been classified as Pathogenic.

NM_015570.4(AUTS2):c.2481_2482del (p.Asp827fs)

Gene: AUTS2 (activator of transcription and developmental regulator AUTS2; plus strand). Cytogenetic location: 7q11.22.
Variant type: Deletion.
Coding change: c.2481_2482del on transcript NM_015570.4 (MANE Select); coding-DNA positions 2481 to 2482, 2 bases deleted (TA; older notation c.2481_2482delTA).
Protein change: p.Asp827fs; shifts the reading frame from aspartic acid 827.
Molecular consequence: frameshift variant.
Genome position (GRCh38, 1-based): chr7:70,787,381-70,787,382, TA deleted; deleting any 2 consecutive bases within chr7:70,787,380-70,787,382 gives the same sequence; the c. name uses the placement nearest the transcript's 3' end. VCF-style (leftmost placement, unchanged base first): chr7-70787379-GAT-G. GRCh37 (hg19) VCF-style: chr7-70252365-GAT-G.
Other names: c.2409_2410del, p.Asp803fs (NM_001127231.3); short protein forms D803fs, D827fs.
Identifiers: ClinVar variation 985082 (VCV000985082.8), dbSNP rs1791577285, ClinGen allele CA1139660097.